The following is an entry in ClinVar:

ClinVar aggregate classification (germline): Pathogenic (1 of 4 stars; one submission).

Submission:

ISCA site 4
Classification: Pathogenic. Last evaluated: 2011-08-12. Review status: criteria provided, single submitter. Criteria: Kaminsky et al. (Genet Med. 2011). Collection method: clinical testing. Allele origin: unknown. Affected: yes. Observed: 1 variant allele.
Comment: Copy number variation identified through the course of routine clinical cytogenomic testing in postnatal populations. Clinical assertions have been curated as described in Kaminsky et al. 2011.

GRCh38/hg38 16q12.1(chr16:49740807-51876620)x1

Genes: ADCY7 (adenylate cyclase 7; plus strand), BRD7 (bromodomain containing 7; minus strand), CNEP1R1 (CTD nuclear envelope phosphatase 1 regulatory subunit 1; plus strand), CYLD (CYLD lysine 63 deubiquitinase; plus strand), CYLD-AS1 (CYLD antisense RNA 1; minus strand) and 94 more. Cytogenetic location: 16q12.1.
Variant type: copy number loss.
Change: copy number 1 (one copy instead of two) of chr16:49,740,807-51,876,620 (2.14 Mb, GRCh38 coordinates, 1-based), cytogenetic band 16q12.1.
Identifiers: ClinVar variation 59489 (VCV000059489.1).